The following is an entry in ClinVar:

ClinVar aggregate classification (germline): Uncertain significance (1 of 4 stars; one submission).

Submission:

Labcorp Genetics (formerly Invitae), Labcorp
Classification: Uncertain significance. Last evaluated: 2023-10-06. Review status: criteria provided, single submitter. Criteria: Invitae Variant Classification Sherloc (09022015). Collection method: clinical testing. Allele origin: germline.
Comment: This sequence change replaces glutamine, which is neutral and polar, with glutamic acid, which is acidic and polar, at codon 600 of the EIF2AK1 protein (p.Gln600Glu). This variant is not present in population databases (gnomAD no frequency). This variant has not been reported in the literature in individuals affected with EIF2AK1-related conditions. An algorithm developed to predict the effect of missense changes on protein structure and function (PolyPhen-2) suggests that this variant is likely to be disruptive. In summary, the available evidence is currently insufficient to determine the role of this variant in disease. Therefore, it has been classified as a Variant of Uncertain Significance.

NM_014413.4(EIF2AK1):c.1798C>G (p.Gln600Glu)

Gene: EIF2AK1 (eukaryotic translation initiation factor 2 alpha kinase 1; minus strand). Cytogenetic location: 7p22.1.
Variant type: single nucleotide variant.
Coding change: c.1798C>G on transcript NM_014413.4 (MANE Select); coding-DNA position 1798, C replaced by G.
Protein change: p.Gln600Glu; replaces glutamine 600 with glutamic acid.
Molecular consequence: missense variant.
Genome position (GRCh38, 1-based): chr7:6,024,768, G>C on the plus strand (C>G on the coding strand, the complement: EIF2AK1 is on the minus strand). VCF-style: chr7-6024768-G-C. GRCh37 (hg19) VCF-style: chr7-6064399-G-C.
Other names: c.1795C>G, p.Gln599Glu (NM_001134335.2); short protein forms Q599E, Q600E.
Identifiers: ClinVar variation 2794152 (VCV002794152.3), dbSNP rs1175954321, ClinGen allele CA366748777.